The following is an entry in ClinVar:

NM_020791.4(TAOK1):c.185G>C (p.Ser62Thr)

Gene: TAOK1 (TAO kinase 1; plus strand). Cytogenetic location: 17q11.2.
Variant type: single nucleotide variant.
Coding change: c.185G>C on transcript NM_020791.4 (MANE Select); coding-DNA position 185, G replaced by C.
Protein change: p.Ser62Thr; replaces serine 62 with threonine.
Molecular consequence: missense variant.
Genome position (GRCh38, 1-based): chr17:29,467,197, G>C. VCF-style: chr17-29467197-G-C. GRCh37 (hg19) VCF-style: chr17-27794215-G-C.
Other names: c.185G>C, p.Ser62Thr (NM_025142.1); short protein forms S62T.
Identifiers: ClinVar variation 4688219 (VCV004688219.1).

ClinVar aggregate classification (germline): Uncertain significance (1 of 4 stars; one submission).

gnomAD v4.1: 2 of 1,603,768 alleles (0.00012%); highest among the groups gnomAD compares: Non-Finnish European, 0.00017%; no homozygotes.

Submission:

Women's Health and Genetics/Laboratory Corporation of America, LabCorp
Classification: Uncertain significance. Last evaluated: 2025-12-18. Review status: criteria provided, single submitter. Criteria: LabCorp Variant Classification Summary - May 2015. Collection method: clinical testing. Allele origin: germline.
Comment: Variant summary: TAOK1 c.185G>C (p.Ser62Thr) results in a conservative amino acid change in the encoded protein sequence. Algorithms developed to predict the effect of missense changes on protein structure and function are either unavailable or do not agree on the potential impact of this missense change. The variant was absent in 250616 control chromosomes. The available data on variant occurrences in the general population are insufficient to allow any conclusion about variant significance. To our knowledge, no occurrence of c.185G>C in individuals affected with TAOK1-related conditions and no experimental evidence demonstrating its impact on protein function have been reported. No submitters have cited clinical-significance assessments for this variant to ClinVar. Based on the evidence outlined above, the variant was classified as uncertain significance.